The following is an entry in ClinVar:

NM_000836.4(GRIN2D):c.1509C>A (p.Tyr503Ter)

Gene: GRIN2D (glutamate ionotropic receptor NMDA type subunit 2D; plus strand). Cytogenetic location: 19q13.33.
Variant type: single nucleotide variant.
Coding change: c.1509C>A on transcript NM_000836.4 (MANE Select); coding-DNA position 1509, C replaced by A.
Protein change: p.Tyr503Ter; replaces tyrosine 503 with a stop codon.
Molecular consequence: nonsense.
Genome position (GRCh38, 1-based): chr19:48,414,960, C>A. VCF-style: chr19-48414960-C-A. GRCh37 (hg19) VCF-style: chr19-48918217-C-A.
Other names: short protein forms Y503*.
Identifiers: ClinVar variation 3364228 (VCV003364228.1).
Genomic context (GRCh38, chr19:48,414,960, plus strand): 5'-CTGCAAGGGTTTCTGCATCGACATTCTGAAGCGGCTGGCGCATACCATCGGCTTCAGCTA[C>A]GACCTCTACCTGGTCACCAATGGCAAGCACGGAAAGAAGATCGATGGCGTCTGGAACGGC-3'

ClinVar aggregate classification (germline): Uncertain significance (1 of 4 stars; one submission).

Submission:

GeneDx
Classification: Uncertain significance. Last evaluated: 2023-11-11. Review status: criteria provided, single submitter. Criteria: GeneDx Variant Classification Process June 2021. Collection method: clinical testing. Allele origin: germline. Affected: yes.
Comment: Not observed at significant frequency in large population cohorts (gnomAD); Nonsense variant predicted to result in protein truncation or nonsense mediated decay in a gene or region of a gene for which loss of function is not a well-established mechanism of disease; Has not been previously published as pathogenic or benign to our knowledge